The following is an entry in ClinVar:

NM_000283.4(PDE6B):c.1860C>G (p.His620Gln)

Gene: PDE6B (phosphodiesterase 6B; plus strand). Cytogenetic location: 4p16.3.
Variant type: single nucleotide variant.
Coding change: c.1860C>G on transcript NM_000283.4 (MANE Select); coding-DNA position 1860, C replaced by G.
Protein change: p.His620Gln; replaces histidine 620 with glutamine.
Molecular consequence: missense variant.
Genome position (GRCh38, 1-based): chr4:663,127, C>G. VCF-style: chr4-663127-C-G. GRCh37 (hg19) VCF-style: chr4-656916-C-G.
Other names: c.1860C>G, p.His620Gln (NM_001145291.2); c.1023C>G, p.His341Gln (NM_001145292.2, NM_001350154.3, NM_001379246.1 and 1 more transcripts); c.705C>G, p.His235Gln (NM_001350155.3); short protein forms H235Q, H341Q, H620Q.
Identifiers: ClinVar variation 1015360 (VCV001015360.8), dbSNP rs371908618, ClinGen allele CA2794734.

ClinVar aggregate classification (germline): Uncertain significance (1 of 4 stars; one submission).

Allele frequency attached by ClinVar (database versions not stated): TOPMed below 0.00001; gnomAD 0.00001; ESP Exome Variant Server 0.00008.
gnomAD v4.1: 3 of 1,611,474 alleles (0.00019%); highest among the groups gnomAD compares: African/African-American, 0.0027%; no homozygotes.

Submission:

Labcorp Genetics (formerly Invitae), Labcorp
Classification: Uncertain significance. Last evaluated: 2022-08-23. Review status: criteria provided, single submitter. Criteria: Invitae Variant Classification Sherloc (09022015). Collection method: clinical testing. Allele origin: germline.
Comment: Algorithms developed to predict the effect of missense changes on protein structure and function (SIFT, PolyPhen-2, Align-GVGD) all suggest that this variant is likely to be tolerated. In summary, the available evidence is currently insufficient to determine the role of this variant in disease. Therefore, it has been classified as a Variant of Uncertain Significance. Experimental studies have shown that this missense change affects PDE6B function (PMID: 18658088). ClinVar contains an entry for this variant (Variation ID: 1015360). This variant has not been reported in the literature in individuals affected with PDE6B-related conditions. This variant is present in population databases (rs371908618, gnomAD 0.008%). This sequence change replaces histidine, which is basic and polar, with glutamine, which is neutral and polar, at codon 620 of the PDE6B protein (p.His620Gln).

Literature cited by the submitters: PubMed 18658088.